The following is an entry in ClinVar:

ClinVar aggregate classification (germline): Likely benign (1 of 4 stars; one submission).

Conditions:
MEN1-related disorder. Also called: MEN1-related condition.

gnomAD v4.1: 1 of 1,614,092 alleles (0.000062%); highest among the groups gnomAD compares: Non-Finnish European, 0.000085%; no homozygotes.

Submission:

PreventionGenetics, part of Exact Sciences
Classification: Likely benign for MEN1-related condition. Last evaluated: 2026-01-09. Review status: criteria provided, single submitter. Criteria: ACMG Guidelines, 2015. Collection method: clinical testing. Allele origin: germline.
Comment: This variant is classified as likely benign based on ACMG/AMP sequence variant interpretation guidelines (Richards et al. 2015 PMID: 25741868, with internal and published modifications).

NM_001370259.2(MEN1):c.1005G>C (p.Arg335=)

Gene: MEN1 (menin 1; minus strand). Cytogenetic location: 11q13.1.
Variant type: single nucleotide variant.
Coding change: c.1005G>C on transcript NM_001370259.2 (MANE Select); coding-DNA position 1005, G replaced by C.
Protein change: p.Arg335=; no amino-acid change (arginine 335 retained).
Molecular consequence: synonymous variant. On other transcripts: non-coding transcript variant (4).
Genome position (GRCh38, 1-based): chr11:64,806,276, C>G on the plus strand (G>C on the coding strand, the complement: MEN1 is on the minus strand). VCF-style: chr11-64806276-C-G. GRCh37 (hg19) VCF-style: chr11-64573748-C-G.
Other names: c.1020G>C, p.Arg340= (NM_000244.4, NM_001407145.1, NM_001407150.1 and 5 more transcripts); c.1005G>C, p.Arg335= (NM_001370251.2, NM_001370260.2, NM_001370261.2 and 7 more transcripts); c.900G>C, p.Arg300= (NM_001370262.2, NM_001370263.2, NM_001407148.1 and 2 more transcripts).
Identifiers: ClinVar variation 4980286 (VCV004980286.1).
Genomic context (GRCh38, chr11:64,806,276, plus strand): 5'-GTAGGGGGATCCTCACTCCTGGATGACAGTGGCCGTGTCCGCCCAGGCCTGCAGGGCTTC[C>G]CGCACATTGCGGTTGCGACAGTGGTAGCCAGCCAGGTACATGTAGGGGTAGATGTGTTCA-3'
Protein context (NP_001357188.2, residues 325-345): AGYHCRNRNV[Arg335=]EALQAWADTA